The following is an entry in ClinVar:

ClinVar aggregate classification (germline): Pathogenic (1 of 4 stars; one submission).

Allele frequency attached by ClinVar (database versions not stated): gnomAD exomes below 0.00001.
gnomAD v4.1: 2 of 1,603,048 alleles (0.00012%); highest among the groups gnomAD compares: Non-Finnish European, 0.00017%; no homozygotes.

Submission:

Labcorp Genetics (formerly Invitae), Labcorp
Classification: Pathogenic. Last evaluated: 2024-03-03. Review status: criteria provided, single submitter. Criteria: Invitae Variant Classification Sherloc (09022015). Collection method: clinical testing. Allele origin: germline.
Comment: This sequence change creates a premature translational stop signal (p.Glu33*) in the GLE1 gene. It is expected to result in an absent or disrupted protein product. Loss-of-function variants in GLE1 are known to be pathogenic (PMID: 18204449, 24243016, 27684565). This variant is present in population databases (no rsID available, gnomAD 0.0009%). This variant has not been reported in the literature in individuals affected with GLE1-related conditions. For these reasons, this variant has been classified as Pathogenic.

Literature cited by the submitters: PubMed 18204449; PubMed 24243016; PubMed 27684565.

NM_001003722.2(GLE1):c.97G>T (p.Glu33Ter)

Gene: GLE1 (GLE1 RNA export mediator; plus strand). Cytogenetic location: 9q34.11.
Variant type: single nucleotide variant.
Coding change: c.97G>T on transcript NM_001003722.2 (MANE Select); coding-DNA position 97, G replaced by T.
Protein change: p.Glu33Ter; replaces glutamic acid 33 with a stop codon.
Molecular consequence: nonsense.
Genome position (GRCh38, 1-based): chr9:128,504,902, G>T. VCF-style: chr9-128504902-G-T. GRCh37 (hg19) VCF-style: chr9-131267181-G-T.
Other names: c.97G>T, p.Glu33Ter (NM_001411013.1, NM_001499.2); short protein forms E33*.
Identifiers: ClinVar variation 2731786 (VCV002731786.3), dbSNP rs1427139632, ClinGen allele CA375055451.